The following is an entry in ClinVar:

NM_000057.4(BLM):c.1049T>C (p.Met350Thr)

Gene: BLM (BLM RecQ like helicase; plus strand). Cytogenetic location: 15q26.1.
Variant type: single nucleotide variant.
Coding change: c.1049T>C on transcript NM_000057.4 (MANE Select); coding-DNA position 1049, T replaced by C.
Protein change: p.Met350Thr; replaces methionine 350 with threonine.
Molecular consequence: missense variant. On other transcripts: 5 prime UTR variant (1).
Genome position (GRCh38, 1-based): chr15:90,754,900, T>C. VCF-style: chr15-90754900-T-C. GRCh37 (hg19) VCF-style: chr15-91298130-T-C.
Other names: c.1049T>C, p.Met350Thr (NM_001287246.2, NM_001287247.2); c.-243T>C (NM_001287248.2); short protein forms M350T.
Identifiers: ClinVar variation 1776458 (VCV001776458.5), dbSNP rs2151152275, ClinGen allele CA393842180.

ClinVar aggregate classification (germline): Conflicting classifications of pathogenicity. Review status: criteria provided, conflicting classifications (1 of 4 stars). 2 submissions from 2 submitters: Uncertain significance (1); Likely benign (1). Last evaluated 2025-01-12.

Conditions:
Hereditary cancer-predisposing syndrome. Also called: Neoplastic Syndromes, Hereditary; Tumor predisposition; Hereditary Cancer Syndrome; Hereditary neoplastic syndrome. Identifiers: Orphanet 140162, MedGen C0027672, MeSH D009386, MONDO:0015356.
Bloom syndrome (BLM). Also called: Bloom-Torre-Machacek syndrome. Identifiers: Orphanet 125, MedGen C0005859, MONDO:0008876, OMIM 210900.

Submissions (2):

Labcorp Genetics (formerly Invitae), Labcorp
Classification: Uncertain significance for Bloom syndrome. Last evaluated: 2025-01-12. Review status: criteria provided, single submitter. Criteria: Invitae Variant Classification Sherloc (09022015). Collection method: clinical testing. Allele origin: germline.
Comment: This sequence change replaces methionine, which is neutral and non-polar, with threonine, which is neutral and polar, at codon 350 of the BLM protein (p.Met350Thr). This variant is not present in population databases (gnomAD no frequency). This variant has not been reported in the literature in individuals affected with BLM-related conditions. ClinVar contains an entry for this variant (Variation ID: 1776458). Invitae Evidence Modeling of protein sequence and biophysical properties (such as structural, functional, and spatial information, amino acid conservation, physicochemical variation, residue mobility, and thermodynamic stability) indicates that this missense variant is not expected to disrupt BLM protein function with a negative predictive value of 80%. In summary, the available evidence is currently insufficient to determine the role of this variant in disease. Therefore, it has been classified as a Variant of Uncertain Significance.

Ambry Genetics
Classification: Likely benign for Hereditary cancer-predisposing syndrome. Last evaluated: 2021-05-10. Review status: criteria provided, single submitter. Criteria: Ambry Variant Classification Scheme 2023. Collection method: clinical testing. Allele origin: germline.